The following is an entry in ClinVar:

ClinVar aggregate classification (germline): Uncertain significance (1 of 4 stars; one submission).

Conditions:
Familial cold autoinflammatory syndrome 2 (FCAS2). Identifiers: Orphanet 247868, MedGen C2673198, MONDO:0012724, OMIM 611762.

Submission:

Labcorp Genetics (formerly Invitae), Labcorp
Classification: Uncertain significance for Familial cold autoinflammatory syndrome 2. Last evaluated: 2021-06-04. Review status: criteria provided, single submitter. Criteria: Invitae Variant Classification Sherloc (09022015). Collection method: clinical testing. Allele origin: germline.
Comment: In summary, the available evidence is currently insufficient to determine the role of this variant in disease. Therefore, it has been classified as a Variant of Uncertain Significance. Experimental studies and prediction algorithms are not available or were not evaluated, and the functional significance of this variant is currently unknown. This variant has not been reported in the literature in individuals with NLRP12-related conditions. This variant is a gross deletion of the genomic region encompassing exon(s) 9 of the NLRP12 gene. This variant would be expected to be in-frame, preserving the integrity of the reading frame.

NC_000019.9:g.(?_54299093)_(54299303_?)del

Gene: NLRP12 (NLR family pyrin domain containing 12; minus strand). Cytogenetic location: 19q13.42.
Variant type: Deletion.
Identifiers: ClinVar variation 1441705 (VCV001441705.6).